The following is an entry in ClinVar:

ClinVar aggregate classification (germline): Pathogenic. Review status: criteria provided, multiple submitters, no conflicts (2 of 4 stars). 2 submissions from 2 submitters: Pathogenic (2). Last evaluated 2026-06-17.

Conditions:
Cockayne syndrome. Identifiers: Orphanet 191, MedGen C0009207, MONDO:0016006.

Submissions (2):

Women's Health and Genetics/Laboratory Corporation of America, LabCorp
Classification: Pathogenic for Cockayne syndrome. Last evaluated: 2026-06-17. Review status: criteria provided, single submitter. Criteria: LabCorp Variant Classification Summary - May 2015. Collection method: clinical testing. Allele origin: germline.
Comment: Variant summary: ERCC6 c.1431_1432delGA (p.Lys478ThrfsX9) results in a premature termination codon, predicted to cause a truncation of the encoded protein or absence of the protein due to nonsense mediated decay, which are commonly known mechanisms for disease. The variant allele was found at a frequency of 4e-06 in 250940 control chromosomes (gnomAD). c.1431_1432delGA has been observed in homozygous state in individual(s) affected with ERCC6-related conditions (e.g. Calmels_2018, Sartorelli_2024). These data indicate that the variant may be associated with disease. To our knowledge, no experimental evidence demonstrating an impact on protein function has been reported. The following publications have been ascertained in the context of this evaluation (PMID: 29572252, 38674442). ClinVar contains an entry for this variant (Variation ID: 1455192). Based on the evidence outlined above, the variant was classified as pathogenic.

Labcorp Genetics (formerly Invitae), Labcorp
Classification: Pathogenic. Last evaluated: 2024-02-07. Review status: criteria provided, single submitter. Criteria: Invitae Variant Classification Sherloc (09022015). Collection method: clinical testing. Allele origin: germline.
Comment: This sequence change creates a premature translational stop signal (p.Lys478Thrfs*9) in the ERCC6 gene. It is expected to result in an absent or disrupted protein product. Loss-of-function variants in ERCC6 are known to be pathogenic (PMID: 18628313, 29572252). This variant is present in population databases (rs746616255, gnomAD 0.0009%). This premature translational stop signal has been observed in individual(s) with Cockayne syndrome (PMID: 29572252). For these reasons, this variant has been classified as Pathogenic.

Literature cited by the submitters: PubMed 29572252 (cited by Women's Health and Genetics/Laboratory Corporation of America, LabCorp and Labcorp Genetics (formerly Invitae), Labcorp); PubMed 38674442 (cited by Women's Health and Genetics/Laboratory Corporation of America, LabCorp); PubMed 18628313 (cited by Labcorp Genetics (formerly Invitae), Labcorp).

NM_000124.4(ERCC6):c.1431_1432del (p.Lys478fs)

Gene: ERCC6 (ERCC excision repair 6, chromatin remodeling factor; minus strand). Cytogenetic location: 10q11.23.
Variant type: Microsatellite.
Coding change: c.1431_1432del on transcript NM_000124.4 (MANE Select); coding-DNA positions 1431 to 1432, 2 bases deleted (GA; older notation c.1431_1432delGA).
Protein change: p.Lys478fs; shifts the reading frame from lysine 478.
Molecular consequence: frameshift variant.
Genome position (GRCh38, 1-based): chr10:49,505,978-49,505,979, TC deleted on the plus strand (GA on the coding strand, the reverse complement: ERCC6 is on the minus strand); deleting any 2 consecutive bases within chr10:49,505,978-49,505,982 gives the same sequence; the c. name uses the placement nearest the transcript's 3' end. VCF-style (leftmost placement, unchanged base first): chr10-49505977-TTC-T. GRCh37 (hg19) VCF-style: chr10-50714023-TTC-T.
Other names: c.1431_1432del, p.Lys478fs (NM_001346440.2); c.1431_1432delGA (NM_000124.4); short protein forms K478fs.
Identifiers: ClinVar variation 1455192 (VCV001455192.7), dbSNP rs746616255, ClinGen allele CA5495973.